The following is an entry in ClinVar:

NM_024782.3(NHEJ1):c.553G>A (p.Glu185Lys)

Gene: NHEJ1 (non-homologous end joining factor 1; minus strand). Cytogenetic location: 2q35.
Variant type: single nucleotide variant.
Coding change: c.553G>A on transcript NM_024782.3 (MANE Select); coding-DNA position 553, G replaced by A.
Protein change: p.Glu185Lys; replaces glutamic acid 185 with lysine.
Molecular consequence: missense variant. On other transcripts: non-coding transcript variant (1).
Genome position (GRCh38, 1-based): chr2:219,146,715, C>T on the plus strand (G>A on the coding strand, the complement: NHEJ1 is on the minus strand). VCF-style: chr2-219146715-C-T. GRCh37 (hg19) VCF-style: chr2-220011437-C-T.
Other names: c.553G>A, p.Glu185Lys (NM_001377498.1, NM_001377499.1); short protein forms E185K.
Identifiers: ClinVar variation 1424709 (VCV001424709.8), dbSNP rs2106361576, ClinGen allele CA350626809.

ClinVar aggregate classification (germline): Uncertain significance (1 of 4 stars; one submission).

Conditions:
Cernunnos-XLF deficiency (IMD124). Also called: SCID, AUTOSOMAL RECESSIVE, T CELL-NEGATIVE, B CELL-NEGATIVE, NK CELL-POSITIVE, WITH MICROCEPHALY, GROWTH RETARDATION, AND SENSITIVITY TO IONIZING RADIATION; Severe combined immunodeficiency with sensitivity to ionizing radiation due to NHEJ1 deficiency; SCID, autosomal recessive, T cell-negative, B cell-negative, NK cell-positive, and sensitivity to ionizing radiation due to NHEJ1 deficiency; IMMUNODEFICIENCY 124, SEVERE COMBINED; NHEJ1 SYNDROME. Identifiers: Orphanet 169079, MedGen C1969799, MONDO:0012650, OMIM 611291.

Submission:

Labcorp Genetics (formerly Invitae), Labcorp
Classification: Uncertain significance for Cernunnos-XLF deficiency. Last evaluated: 2022-02-05. Review status: criteria provided, single submitter. Criteria: Invitae Variant Classification Sherloc (09022015). Collection method: clinical testing. Allele origin: germline.
Comment: In summary, the available evidence is currently insufficient to determine the role of this variant in disease. Therefore, it has been classified as a Variant of Uncertain Significance. Algorithms developed to predict the effect of missense changes on protein structure and function (SIFT, PolyPhen-2, Align-GVGD) all suggest that this variant is likely to be tolerated. This variant has not been reported in the literature in individuals affected with NHEJ1-related conditions. This variant is not present in population databases (gnomAD no frequency). This sequence change replaces glutamic acid, which is acidic and polar, with lysine, which is basic and polar, at codon 185 of the NHEJ1 protein (p.Glu185Lys).